The following is an entry in ClinVar:

ClinVar aggregate classification (germline): Benign/Likely benign. Review status: criteria provided, multiple submitters, no conflicts (2 of 4 stars). 3 submissions from 3 submitters: Benign (1); Likely benign (2). Last evaluated 2025-11-27.

Conditions:
Maturity-onset diabetes of the young (MODY). Also called: Maturity onset diabetes mellitus in young. Identifiers: Orphanet 552, MedGen C0342276, MONDO:0018911, HP:0004904.

Allele frequency attached by ClinVar (database versions not stated): gnomAD 0.00001; gnomAD exomes 0.00001; TOPMed 0.00001; ExAC 0.00002.
gnomAD v4.1: 14 of 1,613,898 alleles (0.00087%); highest among the groups gnomAD compares: East Asian, 0.0045%; no homozygotes.

Submissions (3):

Labcorp Genetics (formerly Invitae), Labcorp
Classification: Likely benign. Last evaluated: 2025-11-27. Review status: criteria provided, single submitter. Criteria: Invitae Variant Classification Sherloc (09022015). Collection method: clinical testing. Allele origin: germline.

Athena Diagnostics
Classification: Likely benign. Last evaluated: 2020-03-25. Review status: criteria provided, single submitter. Criteria: Athena Diagnostics Criteria. Collection method: clinical testing. Allele origin: unknown.

Clinical Genomics, Uppaluri K&H Personalized Medicine Clinic
Classification: Benign for Maturity-onset diabetes of the young. Review status: criteria provided, single submitter. Criteria: K & H Uppaluri Personalized Medicine Clinic Variant Classification & Assertion Criteria_Updated V.1. Collection method: research. Allele origin: unknown. Inheritance: Autosomal dominant inheritance.
Comment: Mutations in HNF1A gene can predispose to MODY3. It is associated with both micro and macrovascular complications of diabetes, especially cardiovascular complications. Associated with glucosuria. May respond well to sulfonylureas. However, more evidence is required to confer the association of this particular variant rs765329757 with MODY3.

Literature cited by the submitters: PubMed 30455330 (cited by Athena Diagnostics); PubMed 31517624 (cited by Clinical Genomics, Uppaluri K&H Personalized Medicine Clinic); PubMed 32395877 (cited by Clinical Genomics, Uppaluri K&H Personalized Medicine Clinic); PubMed 35328643 (cited by Clinical Genomics, Uppaluri K&H Personalized Medicine Clinic); PubMed 35673428 (cited by Clinical Genomics, Uppaluri K&H Personalized Medicine Clinic).

NM_000545.8(HNF1A):c.537T>C (p.His179=)

Gene: HNF1A (HNF1 homeobox A; plus strand). Cytogenetic location: 12q24.31.
Variant type: single nucleotide variant.
Coding change: c.537T>C on transcript NM_000545.8 (MANE Select); coding-DNA position 537, T replaced by C.
Protein change: p.His179=; no amino-acid change (histidine 179 retained).
Molecular consequence: synonymous variant.
Genome position (GRCh38, 1-based): chr12:120,993,530, T>C. VCF-style: chr12-120993530-T-C. GRCh37 (hg19) VCF-style: chr12-121431333-T-C.
Other names: c.537T>C, p.His179= (NM_001306179.2).
Identifiers: ClinVar variation 994550 (VCV000994550.5), dbSNP rs765329757, ClinGen allele CA6831782.